The following is an entry in ClinVar:

NM_170606.3(KMT2C):c.14174+3A>G

Gene: KMT2C (lysine methyltransferase 2C; minus strand). Cytogenetic location: 7q36.1.
Variant type: single nucleotide variant.
Coding change: c.14174+3A>G on transcript NM_170606.3 (MANE Select); 3 bases into the intron after coding-DNA position 14174, A replaced by G.
Molecular consequence: intron variant.
Genome position (GRCh38, 1-based): chr7:152,145,150, T>C on the plus strand (A>G on the coding strand, the complement: KMT2C is on the minus strand). VCF-style: chr7-152145150-T-C. GRCh37 (hg19) VCF-style: chr7-151842235-T-C.
Identifiers: ClinVar variation 504229 (VCV000504229.2), dbSNP rs1554450955, ClinGen allele CA658797060.

ClinVar aggregate classification (germline): Uncertain significance (1 of 4 stars; one submission).

Submission:

GeneDx
Classification: Uncertain significance. Last evaluated: 2018-11-30. Review status: criteria provided, single submitter. Criteria: GeneDx Variant Classification (06012015). Collection method: clinical testing. Allele origin: germline. Affected: yes.
Comment: The c.14174+3 A>G variant in the KMT2C gene has not been reported previously as a pathogenic variant nor as a benign variant, to our knowledge. The c.14174+3 A>G variant is not observed in large population cohorts (Lek et al., 2016). Several in-silico splice prediction models predict that c.14174+3 A>G may destroy the natural splice donor site and lead to abnormal gene splicing. However, in the absence of RNA/functional studies, the actual effect of this sequence change in this individual is unknown.